The following is an entry in ClinVar:

NM_001035.3(RYR2):c.8614G>A (p.Val2872Met)

Gene: RYR2 (ryanodine receptor 2; plus strand). Cytogenetic location: 1q43.
Variant type: single nucleotide variant.
Coding change: c.8614G>A on transcript NM_001035.3 (MANE Select); coding-DNA position 8614, G replaced by A.
Protein change: p.Val2872Met; replaces valine 2872 with methionine.
Molecular consequence: missense variant.
Genome position (GRCh38, 1-based): chr1:237,674,119, G>A. VCF-style: chr1-237674119-G-A. GRCh37 (hg19) VCF-style: chr1-237837419-G-A.
Other names: short protein forms V2872M.
Identifiers: ClinVar variation 3072889 (VCV003072889.1), dbSNP rs1488585042, ClinGen allele CA345402953.
Genomic context (GRCh38, chr1:237,674,119, plus strand): 5'-ATTACTATGCTGTGTTCTTGTCCTGACATACTCTTAGGAGGAGGAAACCATCCTCTGCTG[G>A]TGCCCTATGATACACTGACAGCCAAAGAGAAAGCCAAGGATAGAGAAAAAGCACAGGACA-3'
Protein context (NP_001026.2, residues 2862-2882): SKGGGNHPLL[Val2872Met]PYDTLTAKEK

ClinVar aggregate classification (germline): Uncertain significance (1 of 4 stars; one submission).

Conditions:
Catecholaminergic polymorphic ventricular tachycardia (CVPT). Also called: Catecholamine-induced polymorphic ventricular tachycardia. Identifiers: Orphanet 3286, MedGen C5574922, MONDO:0017990.

Allele frequency attached by ClinVar (database versions not stated): gnomAD exomes below 0.00001; gnomAD 0.00001.
gnomAD v4.1: 2 of 1,611,784 alleles (0.00012%); no homozygotes.

Submission:

All of Us Research Program, National Institutes of Health
Classification: Uncertain significance for Catecholaminergic polymorphic ventricular tachycardia. Last evaluated: 2023-08-15. Review status: criteria provided, single submitter. Criteria: ACMG Guidelines, 2015. Collection method: clinical testing. Allele origin: germline. Inheritance: Autosomal dominant inheritance. Observed: 1 variant allele, 1 heterozygote.
Comment: This missense variant replaces valine with methionine at codon 2872 of the RYR2 protein. Computational prediction suggests that this variant may have deleterious impact on protein structure and function (internally defined REVEL score threshold >= 0.7, PMID: 27666373). To our knowledge, functional studies have not been reported for this variant. This variant has not been reported in individuals affected with RYR2-related disorders in the literature. This variant has been identified in 1/248888 chromosomes in the general population by the Genome Aggregation Database (gnomAD). The available evidence is insufficient to determine the role of this variant in disease conclusively. Therefore, this variant is classified as a Variant of Uncertain Significance.

This study involves interpretation of variants in research participants for the purpose of population health screening. Participant phenotype was not available at the time of variant classification. Additional details can be found in publication PMID: 35346344, PMCID: PMC8962531